The following is an entry in ClinVar:

NM_020964.3(EPG5):c.1358A>T (p.His453Leu)

Genes: EPG5 (ectopic P-granules 5 autophagy tethering factor; minus strand), LOC126862737 (P300/CBP strongly-dependent group 1 enhancer GRCh37_chr18:43530707-43531906; plus strand). Cytogenetic location: 18q21.1.
Variant type: single nucleotide variant.
Coding change: c.1358A>T on transcript NM_020964.3 (MANE Select); coding-DNA position 1358, A replaced by T.
Protein change: p.His453Leu; replaces histidine 453 with leucine.
Molecular consequence: missense variant.
Genome position (GRCh38, 1-based): chr18:45,951,133, T>A on the plus strand (A>T on the coding strand, the complement: EPG5 is on the minus strand). VCF-style: chr18-45951133-T-A. GRCh37 (hg19) VCF-style: chr18-43531099-T-A.
Other names: c.1358A>T, p.His453Leu (NM_001410858.1, NM_001410859.1); short protein forms H453L.
Identifiers: ClinVar variation 2172359 (VCV002172359.3), dbSNP rs568433236, ClinGen allele CA299789636.
Genomic context (GRCh38, chr18:45,951,133, plus strand): 5'-GACTACTGTGTCTATCTCTGTCCCCTTACCAATTTCTGCAGCCAGAGAAGAATATCATCA[T>A]GAAACTGAGTATCTTCATTAACTCTCCTGGTGAACATGAATAAGACACTAATGCATTCCT-3'
Protein context (NP_066015.2, residues 443-463): TRRVNEDTQF[His453Leu]DDILLWLQKL

ClinVar aggregate classification (germline): Uncertain significance (1 of 4 stars; one submission).

Conditions:
Vici syndrome (VICIS). Identifiers: Orphanet 1493, MedGen C1855772, MONDO:0009452, OMIM 242840.

Allele frequency attached by ClinVar (database versions not stated): gnomAD exomes 0.00001.
gnomAD v4.1: 10 of 1,591,726 alleles (0.00063%); highest among the groups gnomAD compares: Non-Finnish European, 0.00085%; no homozygotes.

Submission:

Labcorp Genetics (formerly Invitae), Labcorp
Classification: Uncertain significance for Vici syndrome. Last evaluated: 2024-03-11. Review status: criteria provided, single submitter. Criteria: Invitae Variant Classification Sherloc (09022015). Collection method: clinical testing. Allele origin: germline.
Comment: This sequence change replaces histidine, which is basic and polar, with leucine, which is neutral and non-polar, at codon 453 of the EPG5 protein (p.His453Leu). This variant is present in population databases (rs568433236, gnomAD 0.003%). This variant has not been reported in the literature in individuals affected with EPG5-related conditions. ClinVar contains an entry for this variant (Variation ID: 2172359). Advanced modeling of protein sequence and biophysical properties (such as structural, functional, and spatial information, amino acid conservation, physicochemical variation, residue mobility, and thermodynamic stability) performed at Invitae indicates that this missense variant is not expected to disrupt EPG5 protein function with a negative predictive value of 80%. In summary, the available evidence is currently insufficient to determine the role of this variant in disease. Therefore, it has been classified as a Variant of Uncertain Significance.